The following is an entry in ClinVar:

NM_000097.7(CPOX):c.1171C>T (p.Arg391Trp)

Gene: CPOX (coproporphyrinogen oxidase; minus strand). Cytogenetic location: 3q11.2.
Variant type: single nucleotide variant.
Coding change: c.1171C>T on transcript NM_000097.7 (MANE Select); coding-DNA position 1171, C replaced by T.
Protein change: p.Arg391Trp; replaces arginine 391 with tryptophan.
Molecular consequence: missense variant.
Genome position (GRCh38, 1-based): chr3:98,585,442, G>A on the plus strand (C>T on the coding strand, the complement: CPOX is on the minus strand). VCF-style: chr3-98585442-G-A. GRCh37 (hg19) VCF-style: chr3-98304286-G-A.
Other names: short protein forms R391W.
Identifiers: ClinVar variation 1473462 (VCV001473462.6), dbSNP rs375923779, ClinGen allele CA2511509.

ClinVar aggregate classification (germline): Conflicting classifications of pathogenicity. Review status: criteria provided, conflicting classifications (1 of 4 stars). 2 submissions from 2 submitters: Likely pathogenic (1); Uncertain significance (1). Last evaluated 2021-10-15.

Conditions:
CPOX-related disorder. Also called: CPOX-related condition; CPOX-related disorders.

Allele frequency attached by ClinVar (database versions not stated): TOPMed below 0.00001; gnomAD exomes 0.00001; ExAC 0.00002; ESP Exome Variant Server 0.00008.
gnomAD v4.1: 7 of 1,613,388 alleles (0.00043%); highest among the groups gnomAD compares: East Asian, 0.0022%; no homozygotes.

Submissions (2):

Labcorp Genetics (formerly Invitae), Labcorp
Classification: Uncertain significance. Last evaluated: 2021-10-15. Review status: criteria provided, single submitter. Criteria: Invitae Variant Classification Sherloc (09022015). Collection method: clinical testing. Allele origin: germline.
Comment: This sequence change replaces arginine with tryptophan at codon 391 of the CPOX protein (p.Arg391Trp). The arginine residue is highly conserved and there is a moderate physicochemical difference between arginine and tryptophan. This variant is present in population databases (rs375923779, ExAC 0.01%). This missense change has been observed in individual(s) with autosomal dominant hereditary coproporphyria (PMID: 11309681). Algorithms developed to predict the effect of missense changes on protein structure and function (SIFT, PolyPhen-2, Align-GVGD) all suggest that this variant is likely to be disruptive. Experimental studies have shown that this missense change affects CPOX function (PMID: 11309681, 24078084). In summary, the available evidence is currently insufficient to determine the role of this variant in disease. Therefore, it has been classified as a Variant of Uncertain Significance.

Rady Children's Institute for Genomic Medicine, Rady Children's Hospital San Diego
Classification: Likely pathogenic for CPOX-related disorders. Review status: criteria provided, single submitter. Criteria: ACMG Guidelines, 2015. Collection method: clinical testing. Allele origin: germline. Affected: yes.
Comment: This variant has been previously reported as a compound heterozygous change in a patient with harderoporphyria (PMID: 11309681). Functional studies showed that the presence of the c.1171C>T (p.Arg391Trp) variant resulted in reduced enzyme activity (PMID: 11309681, 24078084). The c.1171C>T (p.Arg391Trp) variant is present in the heterozygous state in the gnomAD population database at a frequency of 0.001% (2/251114) and thus is presumed to be rare. The c.1171C>T (p.Arg391Trp) variant affects a highly conserved amino acid and is predicted by multiple in silico tools to have a deleterious effect on protein function. Based on the available evidence, the c.1171C>T (p.Arg391Trp) variant is classified as Likely Pathogenic.

Literature cited by the submitters: PubMed 11309681 (cited by Labcorp Genetics (formerly Invitae), Labcorp); PubMed 24078084 (cited by Labcorp Genetics (formerly Invitae), Labcorp).